The following is an entry in ClinVar:

ClinVar aggregate classification (germline): Benign. Review status: criteria provided, multiple submitters, no conflicts (2 of 4 stars). 4 submissions from 4 submitters: Benign (4). Last evaluated 2024-07-17.

Conditions:
Hyperlipoproteinemia, type I. Also called: Lipoprotein Lipase Deficiency; Lipase D deficiency; Familial hyperlipo-proteinemia type 1; Hyperlipemia essential familial; Familial Lipoprotein Lipase Deficiency; Hyperlipoproteinemia type 1. Identifiers: Orphanet 309015, Orphanet 444490, MedGen C0023817, MONDO:0009387, OMIM 238600. Disease mechanism: loss of function.

Allele frequency attached by ClinVar (database versions not stated): 1000 Genomes Project 0.03934; gnomAD 0.04016 and 0.03968; 1000 Genomes Project 30x 0.03919; gnomAD exomes 0.02601; TOPMed 0.04098.
gnomAD v4.1: 7,198 of 197,868 alleles (3.6%); highest among the groups gnomAD compares: African/African-American, 7.4%; 204 homozygotes.

Submissions (4):

Labcorp Genetics (formerly Invitae), Labcorp
Classification: Benign. Last evaluated: 2024-07-17. Review status: criteria provided, single submitter. Criteria: Invitae Variant Classification Sherloc (09022015). Collection method: clinical testing. Allele origin: germline.

GeneDx
Classification: Benign. Last evaluated: 2019-04-14. Review status: criteria provided, single submitter. Criteria: GeneDx Variant Classification Process June 2021. Collection method: clinical testing. Allele origin: germline. Affected: yes.
Comment: This variant is associated with the following publications: (PMID: 20650961)

Illumina Laboratory Services, Illumina
Classification: Benign for Hyperlipoproteinemia, type I. Last evaluated: 2018-03-06. Review status: criteria provided, single submitter. Criteria: ICSL Variant Classification Criteria 13 December 2019. Collection method: clinical testing. Allele origin: germline.
Comment: This variant was observed in the ICSL laboratory as part of a predisposition screen in an ostensibly healthy population. It had not been previously curated by ICSL or reported in the Human Gene Mutation Database (HGMD: prior to June 1st, 2018), and was therefore a candidate for classification through an automated scoring system. Utilizing variant allele frequency, disease prevalence and penetrance estimates, and inheritance mode, an automated score was calculated to assess if this variant is too frequent to cause the disease. Based on the score and internal cut-off values, a variant classified as benign is not then subjected to further curation. The score for this variant resulted in a classification of benign for this disease.

Breakthrough Genomics
Classification: Benign. Review status: criteria provided, single submitter. Criteria: ACMG Guidelines, 2015. Collection method: not provided. Allele origin: germline. Inheritance: Autosomal recessive inheritance. Affected: yes.

NM_000237.3(LPL):c.*371T>C

Gene: LPL (lipoprotein lipase; plus strand). Cytogenetic location: 8p21.3.
Variant type: single nucleotide variant.
Coding change: c.*371T>C on transcript NM_000237.3 (MANE Select); 371 bases downstream of the stop codon, T replaced by C.
Molecular consequence: 3 prime UTR variant.
Genome position (GRCh38, 1-based): chr8:19,965,681, T>C. VCF-style: chr8-19965681-T-C. GRCh37 (hg19) VCF-style: chr8-19823192-T-C.
Identifiers: ClinVar variation 362422 (VCV000362422.16), dbSNP rs3289, ClinGen allele CA10630569.